The following is an entry in ClinVar:

NM_012471.3(TRPC5):c.572G>A (p.Arg191His)

Gene: TRPC5 (transient receptor potential cation channel subfamily C member 5; minus strand). Cytogenetic location: Xq23.
Variant type: single nucleotide variant.
Coding change: c.572G>A on transcript NM_012471.3 (MANE Select); coding-DNA position 572, G replaced by A.
Protein change: p.Arg191His; replaces arginine 191 with histidine.
Molecular consequence: missense variant.
Genome position (GRCh38, 1-based): chrX:111,912,619, C>T on the plus strand (G>A on the coding strand, the complement: TRPC5 is on the minus strand). VCF-style: chrX-111912619-C-T. GRCh37 (hg19) VCF-style: chrX-111155847-C-T.
Other names: short protein forms R191H.
Identifiers: ClinVar variation 3354359 (VCV003354359.1).

ClinVar aggregate classification (germline): Uncertain significance (0 of 4 stars; one submission).

Conditions:
TRPC5-related disorder. Also called: TRPC5-related condition.

gnomAD v4.1: 7 of 1,209,211 alleles (0.00058%); highest among the groups gnomAD compares: South Asian, 0.0035%; no homozygotes.

Submission:

PreventionGenetics, part of Exact Sciences
Classification: Uncertain significance for TRPC5-related condition. Last evaluated: 2024-01-31. Review status: no assertion criteria provided. Collection method: clinical testing. Allele origin: germline.
Comment: The TRPC5 c.572G>A variant is predicted to result in the amino acid substitution p.Arg191His. To our knowledge, this variant has not been reported in the literature. This variant is reported in 0.0053% of alleles in individuals of African descent in gnomAD, including one hemizygous individual. At this time, the clinical significance of this variant is uncertain due to the absence of conclusive functional and genetic evidence.